The following is an entry in ClinVar:

ClinVar aggregate classification (germline): Pathogenic/Likely pathogenic. Review status: criteria provided, multiple submitters, no conflicts (2 of 4 stars). 20 submissions from 20 submitters: Pathogenic (13); Likely pathogenic (4). 3 of the submissions do not count toward it. Last evaluated 2026-07-01.

Conditions:
PHYH-related disorder. Also called: PHYH-related condition.
Inborn genetic diseases. Identifiers: MedGen C0950123, MeSH D030342.
Retinitis pigmentosa (RP). Identifiers: Orphanet 791, MedGen C0035334, MeSH D012174, MONDO:0019200, OMIM 268000. Inheritance: Autosomal dominant, autosomal recessive and X linked inheritance.
Refsum disease, classic. Also called: HEREDOPATHIA ATACTICA POLYNEURITIFORMIS; HMSN IV; PHYTANIC ACID OXIDASE DEFICIENCY; PHYH-Related Refsum Disease. Identifiers: Orphanet 773, MedGen C5780941, MONDO:1060256, OMIM 266500. Disease mechanism: loss of function.
REFSUM DISEASE, ADULT, 1. Identifiers: MedGen C2749345. Disease mechanism: loss of function.
Retinal disorder. Also called: Retinal disorders; Retinopathy; Retinopathies; Retinal Diseases. Identifiers: MedGen C0035309, MONDO:0005283, HP:0000488.

Allele frequency attached by ClinVar (database versions not stated): gnomAD exomes 0.00008 and 0.00019; TOPMed 0.00014; ESP Exome Variant Server 0.00023; gnomAD 0.00007; ExAC 0.00015.
gnomAD v4.1: 130 of 1,613,918 alleles (0.0081%); highest among the groups gnomAD compares: African/African-American, 0.004%; no homozygotes.

Submissions 1 to 12 of 20:

CeGaT Center for Human Genetics Tuebingen
Classification: Pathogenic. Last evaluated: 2026-07-01. Review status: criteria provided, single submitter. Criteria: CeGaT Center For Human Genetics Tuebingen Variant Classification Criteria Version 2. Collection method: clinical testing. Allele origin: germline. Affected: yes. Observed: 1 variant allele.
Comment: PHYH: PM3:Very Strong, PM2, PM5, PS3:Moderate, PP4

PreventionGenetics, part of Exact Sciences
Classification: Pathogenic for PHYH-related condition. Last evaluated: 2026-06-08. Review status: criteria provided, single submitter. Criteria: ACMG Guidelines, 2015. Collection method: clinical testing. Allele origin: germline.
Comment: The PHYH c.823C>T variant is predicted to result in the amino acid substitution p.Arg275Trp. This variant was reported in the homozygous state in multiple individuals with Refsum disease (Mihalik et al. 1997. PubMed ID: 9326939; Jansen et al. 2000. PubMed ID: 10767344; Chahal et al. 1998. PubMed ID: 9657395). Functional studies suggested that this variant resulted in an enzymatically inactive protein (Jansen et al. 2000. PubMed ID: 10767344; Mukherji et al. 2001. PubMed ID: 11555634). This variant is reported in 0.36% of alleles in individuals of Ashkenazi Jewish descent in gnomAD, although it is present at <0.02% in other populations. This variant is interpreted as pathogenic.

Genetics Laboratory, Great Ormond Street Hospital NHS Foundation Trust, North Thames Genomic Laboratory Hub
Classification: Likely pathogenic for Retinal disorders. Last evaluated: 2026-05-19. Review status: criteria provided, single submitter. Criteria: ACGS Best Practice Guidelines for Variant Classification in Rare Disease 2024 v1.2. Collection method: clinical testing. Allele origin: germline. Affected: yes.
Comment: PM2_moderate, PP3_supporting, PS3_supporting, PM3_supporting, PP4_moderate

Labcorp Genetics (formerly Invitae), Labcorp
Classification: Pathogenic. Last evaluated: 2026-01-19. Review status: criteria provided, single submitter. Criteria: Invitae Variant Classification Sherloc (09022015). Collection method: clinical testing. Allele origin: germline.
Comment: This sequence change replaces arginine, which is basic and polar, with tryptophan, which is neutral and slightly polar, at codon 275 of the PHYH protein (p.Arg275Trp). This variant is present in population databases (rs104894178, gnomAD 0.4%). This missense change has been observed in individual(s) with autosomal recessive Refsum disease (PMID: 9657395, 10767344, 28041643). In at least one individual the data is consistent with being in trans (on the opposite chromosome) from a pathogenic variant. ClinVar contains an entry for this variant (Variation ID: 7580). Invitae Evidence Modeling of protein sequence and biophysical properties (such as structural, functional, and spatial information, amino acid conservation, physicochemical variation, residue mobility, and thermodynamic stability) indicates that this missense variant is expected to disrupt PHYH protein function with a positive predictive value of 80%. Experimental studies have shown that this missense change affects PHYH function (PMID: 1155634, 9326939). For these reasons, this variant has been classified as Pathogenic.

First Genomix Gene Laboratory, Genetic Diagnostics Department
Classification: Pathogenic for Refsum disease, classic. Last evaluated: 2025-08-28. Review status: criteria provided, single submitter. Criteria: ACMG Guidelines, 2015. Collection method: clinical testing. Allele origin: germline. Inheritance: Autosomal recessive inheritance. Affected: no. Observed: 1 variant allele.

Women's Health and Genetics/Laboratory Corporation of America, LabCorp
Classification: Pathogenic for Refsum disease, classic. Last evaluated: 2025-07-21. Review status: criteria provided, single submitter. Criteria: LabCorp Variant Classification Summary - May 2015. Collection method: clinical testing. Allele origin: germline.
Comment: Variant summary: PHYH c.823C>T (p.Arg275Trp) results in a non-conservative amino acid change in the encoded protein sequence. Algorithms developed to predict the effect of missense changes on protein structure and function all suggest that this variant is likely to be disruptive. The variant allele was found at a frequency of 0.00019 in 251484 control chromosomes. This frequency is not significantly higher than estimated for a pathogenic variant in PHYH causing Phytanic Acid Storage Disease, allowing no conclusion about variant significance. c.823C>T has been observed in individual(s) affected with Refsum's disease (example: Jansen_2000). These data indicate that the variant is likely to be associated with disease. At least one publication reports experimental evidence evaluating an impact on protein function. The most pronounced variant effect results in <10% of normal activity (example: Jansen_2000). The following publication has been ascertained in the context of this evaluation (PMID: 10767344). ClinVar contains an entry for this variant (Variation ID: 7580). Based on the evidence outlined above, the variant was classified as pathogenic.

Blueprint Genetics
Classification: Pathogenic for PHYH-related disorders. Last evaluated: 2024-08-26. Review status: criteria provided, single submitter. Criteria: ACMG Guidelines, 2015. Collection method: clinical testing. Allele origin: germline. Affected: yes. Observed: 5 variant alleles.

Genomic Medicine Center of Excellence, King Faisal Specialist Hospital and Research Centre
Classification: Likely pathogenic for Refsum disease, classic. Last evaluated: 2024-04-04. Review status: criteria provided, single submitter. Criteria: ACMG Guidelines, 2015. Collection method: clinical testing. Allele origin: germline.

Baylor Genetics
Classification: Pathogenic for Refsum disease, classic. Last evaluated: 2024-03-22. Review status: criteria provided, single submitter. Criteria: ACMG Guidelines, 2015. Collection method: clinical testing. Allele origin: unknown.

Fulgent Genetics
Classification: Pathogenic for Refsum disease, classic. Last evaluated: 2024-02-07. Review status: criteria provided, single submitter. Criteria: ACMG Guidelines, 2015. Collection method: clinical testing. Allele origin: germline.

Laboratory for Molecular Medicine, Mass General Brigham Personalized Medicine
Classification: Likely pathogenic for Adult Refsum Disease. Last evaluated: 2023-02-02. Review status: criteria provided, single submitter. Criteria: ACMG Guidelines, 2015. Collection method: clinical testing. Allele origin: germline.
Comment: The p.Arg275Trp variant in PHYH has been reported in 3 homozygous and 2 compound heterozygous individuals with Refsum disease and 1 compound heterozygote with retinitis pigmentosa (Mihalik 1997 PMID: 9326939, Chahal 1998 PMID: 9657395, Jansen 2000 PMID: 10767344, Carss 2017 PMID: 28041643). It has also been identified in 0.28% (10/3472) Ashkenazi Jewish and 0.001% (1/68022) European chromosomes by gnomAD. This variant has also been reported in ClinVar (Variation ID 7580). Computational prediction tools and conservation analyses suggest that this variant may impact the protein, though this information is not predictive enough to determine pathogenicity. In vitro/in vivo functional studies provide some evidence that this variant causes the protein to be enzymatically inactive (Mihalik 1997 PMID: 9326939, Mukherji 2001 PMID: 11555634); however, these types of assays may not accurately represent biological function. In summary, although additional studies are required to fully establish its clinical significance, this variant meets criteria to be classified as likely pathogenic for autosomal recessive Refsum disease. ACMG/AMP Criteria applied: PM3_Strong, PS3_Moderate, PM2_Supporting, PP3.

GeneDx
Classification: Pathogenic. Last evaluated: 2021-04-22. Review status: criteria provided, single submitter. Criteria: GeneDx Variant Classification Process June 2021. Collection method: clinical testing. Allele origin: germline. Affected: yes.
Comment: Functional studies have shown R275W results in impaired 2-oxoglutarate binding and loss of enzyme activity (Mihalik et al.,1997; Mukherji et al., 2001); In silico analysis supports that this missense variant has a deleterious effect on protein structure/function; This variant is associated with the following publications: (PMID: 9326939, 31980526, 32581362, 11555634, 28041643, 10767344, 14974078, 31589614)

NM_006214.4(PHYH):c.823C>T (p.Arg275Trp)

Gene: PHYH (phytanoyl-CoA 2-hydroxylase; minus strand). Cytogenetic location: 10p13.
Variant type: single nucleotide variant.
Coding change: c.823C>T on transcript NM_006214.4 (MANE Select); coding-DNA position 823, C replaced by T.
Protein change: p.Arg275Trp; replaces arginine 275 with tryptophan.
Molecular consequence: missense variant.
Genome position (GRCh38, 1-based): chr10:13,283,695, G>A on the plus strand (C>T on the coding strand, the complement: PHYH is on the minus strand). VCF-style: chr10-13283695-G-A. GRCh37 (hg19) VCF-style: chr10-13325695-G-A.
Other names: c.523C>T, p.Arg175Trp (NM_001037537.2, NM_001323080.2); c.829C>T, p.Arg277Trp (NM_001323082.2); c.559C>T, p.Arg187Trp (NM_001323083.2); c.529C>T, p.Arg177Trp (NM_001323084.2); short protein forms R275W, R175W, R177W, R277W, R187W.
Identifiers: ClinVar variation 7580 (VCV000007580.38), dbSNP rs104894178, ClinGen allele CA118904.